The following is an entry in ClinVar:

ClinVar aggregate classification (germline): Uncertain significance (1 of 4 stars; one submission).

Submission:

Ambry Genetics
Classification: Uncertain significance. Last evaluated: 2023-06-08. Review status: criteria provided, single submitter. Criteria: Ambry Variant Classification Scheme 2023. Collection method: clinical testing. Allele origin: germline.
Comment: The p.I967V variant (also known as c.2899A>G), located in coding exon 25 of the KIF1B gene, results from an A to G substitution at nucleotide position 2899. The isoleucine at codon 967 is replaced by valine, an amino acid with highly similar properties. This amino acid position is highly conserved in available vertebrate species. In addition, this alteration is predicted to be tolerated by in silico analysis. Since supporting evidence is limited at this time, the clinical significance of this alteration remains unclear.

NM_001365951.3(KIF1B):c.3037A>G (p.Ile1013Val)

Gene: KIF1B (kinesin family member 1B; plus strand). Cytogenetic location: 1p36.22.
Variant type: single nucleotide variant.
Coding change: c.3037A>G on transcript NM_001365951.3 (MANE Select); coding-DNA position 3037, A replaced by G.
Protein change: p.Ile1013Val; replaces isoleucine 1013 with valine.
Molecular consequence: missense variant.
Genome position (GRCh38, 1-based): chr1:10,334,632, A>G. VCF-style: chr1-10334632-A-G. GRCh37 (hg19) VCF-style: chr1-10394690-A-G.
Other names: c.3037A>G, p.Ile1013Val (NM_001365952.1); c.2899A>G, p.Ile967Val (NM_015074.3); short protein forms I967V, I1013V.
Identifiers: ClinVar variation 1797375 (VCV001797375.3), dbSNP rs2521701025, ClinGen allele CA338338868.